The following is an entry in ClinVar:

ClinVar aggregate classification (germline): Pathogenic. Review status: criteria provided, multiple submitters, no conflicts (2 of 4 stars). 2 submissions from 2 submitters: Pathogenic (2). Last evaluated 2026-05-06.

Conditions:
Hereditary cancer-predisposing syndrome. Also called: Tumor predisposition; Hereditary neoplastic syndrome; Neoplastic Syndromes, Hereditary; Hereditary Cancer Syndrome. Identifiers: Orphanet 140162, MedGen C0027672, MeSH D009386, MONDO:0015356.
Breast-ovarian cancer, familial, susceptibility to, 2 (BROVCA2). Also called: BRCA2 Hereditary Breast and Ovarian Cancer. Identifiers: Orphanet 145, MedGen C2675520, MONDO:0012933, OMIM 612555. Disease mechanism: loss of function.

Submissions (2):

Ambry Genetics
Classification: Pathogenic for Hereditary cancer-predisposing syndrome. Last evaluated: 2026-05-06. Review status: criteria provided, single submitter. Criteria: Ambry Variant Classification Scheme 2023. Collection method: clinical testing. Allele origin: germline.
Comment: The c.7433delT variant, located in coding exon 13 of the BRCA2 gene, results from a deletion of one nucleotide at nucleotide position 7433, causing a translational frameshift with a predicted alternate stop codon (p.L2478*). This variant is considered to be rare based on population cohorts in the Genome Aggregation Database (gnomAD). This alteration is expected to result in loss of function by premature protein truncation or nonsense-mediated mRNA decay. As such, this alteration is interpreted as a disease-causing mutation.

Myriad Genetics, Inc.
Classification: Pathogenic for Breast-ovarian cancer, familial, susceptibility to, 2. Last evaluated: 2023-12-01. Review status: criteria provided, single submitter. Criteria: Myriad Autosomal Dominant, Autosomal Recessive and X-Linked Classification Criteria (2023). Collection method: clinical testing. Allele origin: unknown.
Comment: This variant is considered pathogenic. This variant creates a termination codon and is predicted to result in premature protein truncation.

NM_000059.4(BRCA2):c.7433del (p.Pro2477_Leu2478insTer)

Gene: BRCA2 (BRCA2 DNA repair associated; plus strand). Cytogenetic location: 13q13.1.
Variant type: Deletion.
Coding change: c.7433del on transcript NM_000059.4 (MANE Select); coding-DNA position 7433, one base deleted (T; older notation c.7433delT).
Protein change: p.Pro2477_Leu2478insTer.
Molecular consequence: nonsense. On other transcripts: non-coding transcript variant (1).
Genome position (GRCh38, 1-based): chr13:32,355,286, T deleted; the last of 3 consecutive T bases (chr13:32,355,284-32,355,286); deleting any one gives the same sequence. VCF-style (leftmost placement, unchanged base first): chr13-32355283-CT-C. GRCh37 (hg19) VCF-style: chr13-32929420-CT-C.
Other names: c.7337del, p.Pro2445_Leu2446insTer (NM_001406719.1); c.7433del, p.Pro2477_Leu2478insTer (NM_001406720.1); c.2501del, p.Pro833_Leu834insTer (NM_001406721.1); c.1016del, p.Pro338_Leu339insTer (NM_001406722.1).
Identifiers: ClinVar variation 2673891 (VCV002673891.2), dbSNP rs779007406, ClinGen allele CA2695199712.
Genomic context (GRCh38, chr13:32,355,283, plus strand): 5'-TTAACAAAAACAACTCCAATCAAGCAGTAGCTGTAACTTTCACAAAGTGTGAAGAAGAAC[CT>C]TTAGGTATTGTATGACAATTTGTGTGATGAATTTTTGCCTTTCAGTTAGATATTTCCGTT-3'